The following is an entry in ClinVar:

ClinVar aggregate classification (germline): Uncertain significance (0 of 4 stars; one submission).

Conditions:
COL4A5-related disorder. Also called: COL4A5-related condition.

Allele frequency attached by ClinVar (database versions not stated): gnomAD exomes 0.00001.
gnomAD v4.1: 12 of 1,210,520 alleles (0.00099%); highest among the groups gnomAD compares: Non-Finnish European, 0.0013%; no homozygotes.

Submission:

PreventionGenetics, part of Exact Sciences
Classification: Uncertain significance for COL4A5-related condition. Last evaluated: 2024-02-20. Review status: no assertion criteria provided. Collection method: clinical testing. Allele origin: germline.
Comment: The COL4A5 c.1724C>A variant is predicted to result in the amino acid substitution p.Pro575His. To our knowledge, this variant has not been reported in the literature. This variant is reported in 0.0012% of alleles in individuals of European (Non-Finnish) descent in gnomAD. At this time, the clinical significance of this variant is uncertain due to the absence of conclusive functional and genetic evidence.

NM_033380.3(COL4A5):c.1724C>A (p.Pro575His)

Gene: COL4A5 (collagen type IV alpha 5 chain; plus strand). Cytogenetic location: Xq22.3.
Variant type: single nucleotide variant.
Coding change: c.1724C>A on transcript NM_033380.3 (MANE Select); coding-DNA position 1724, C replaced by A.
Protein change: p.Pro575His; replaces proline 575 with histidine.
Molecular consequence: missense variant.
Genome position (GRCh38, 1-based): chrX:108,597,513, C>A. VCF-style: chrX-108597513-C-A. GRCh37 (hg19) VCF-style: chrX-107840743-C-A.
Other names: c.1724C>A, p.Pro575His (NM_000495.5); short protein forms P575H.
Identifiers: ClinVar variation 3030797 (VCV003030797.2), dbSNP rs757337952, ClinGen allele CA334038492.
Genomic context (GRCh38, chrX:108,597,513, plus strand): 5'-GAATGAAGGGTGACAAAGGAGAGTTGGGTTCCCCTGGAGCTCCAGGGCTTCCTGGTTTAC[C>A]TGGCACTCCTGGACAGGATGGATTGCCAGGGCTTCCTGGCCCGAAAGGAGAGCCTGTGAG-3'
Protein context (NP_203699.1, residues 565-585): SPGAPGLPGL[Pro575His]GTPGQDGLPG